The following is an entry in ClinVar:

ClinVar aggregate classification (germline): Likely pathogenic. Review status: criteria provided, multiple submitters, no conflicts (2 of 4 stars). 2 submissions from 2 submitters: Likely pathogenic (2). Last evaluated 2025-08-28.

Conditions:
Dilated cardiomyopathy 1G (CMD1G). Identifiers: Orphanet 154, MedGen C1858763, MONDO:0011400, OMIM 604145.
Autosomal recessive limb-girdle muscular dystrophy type 2J (LGMDR10). Also called: Limb-girdle muscular dystrophy, type 2J; MUSCULAR DYSTROPHY, LIMB-GIRDLE, AUTOSOMAL RECESSIVE 10. Identifiers: Orphanet 140922, MedGen C1837342, MONDO:0012127, OMIM 608807.

Submissions (2):

Labcorp Genetics (formerly Invitae), Labcorp
Classification: Likely pathogenic for Dilated cardiomyopathy 1G; Autosomal recessive limb-girdle muscular dystrophy type 2J. Last evaluated: 2025-08-28. Review status: criteria provided, single submitter. Criteria: Invitae Variant Classification Sherloc (09022015). Collection method: clinical testing. Allele origin: germline.
Comment: This sequence change creates a premature translational stop signal (p.Gly23123*) in the TTN gene. While this is not anticipated to result in nonsense mediated decay, it is expected to create a truncated TTN protein. This variant is not present in population databases (gnomAD no frequency). This premature translational stop signal has been observed in individual(s) with dilated cardiomyopathy (internal data). ClinVar contains an entry for this variant (Variation ID: 432102). Algorithms developed to predict the effect of sequence changes on RNA splicing suggest that this variant may disrupt the consensus splice site. This variant is located in the A band of TTN (PMID: 25589632). Truncating variants in this region are significantly overrepresented in patients affected with dilated cardiomyopathy (PMID: 25589632). Truncating variants in this region have also been reported in individuals affected with autosomal recessive centronuclear myopathy (PMID: 23975875). In summary, the currently available evidence indicates that the variant is pathogenic, but additional data are needed to prove that conclusively. Therefore, this variant has been classified as Likely Pathogenic.

GeneDx
Classification: Likely pathogenic. Last evaluated: 2016-03-02. Review status: criteria provided, single submitter. Criteria: GeneDx Variant Classification (06012015). Collection method: clinical testing. Allele origin: germline. Affected: yes.
Comment: The G21482X variant in the TTN gene has not been reported as a pathogenic variant or as a benign variant to our knowledge. However, the G21482X likely pathogenic variant is predicted to cause loss of normal protein function either by protein truncation or nonsense-mediated mRNA decay. Other nonsense variants in the TTN gene have been reported in HGMD in association with dilated cardiomyopathy (Stenson et al., 2014). Moreover, the G21482X likely pathogenic variant is located in the A-band region of titin, where the majority of truncating pathogenic variants associated with DCM have been reported (Herman et al., 2012). Finally, the G21482X likely pathogenic variant was not observed in approximately 6000 individuals of European and African American ancestry in the NHLBI Exome Sequencing Project, indicating it is not a common benign variant in these populations.In summary, G21482X in the TTN gene is expected to be pathogenic

Literature cited by the submitters: PubMed 25589632 (cited by Labcorp Genetics (formerly Invitae), Labcorp); PubMed 23975875 (cited by Labcorp Genetics (formerly Invitae), Labcorp).

NM_001267550.2(TTN):c.69367G>T (p.Gly23123Ter)

Genes: TTN-AS1 (TTN antisense RNA 1; plus strand), TTN (titin; minus strand). Cytogenetic location: 2q31.2.
Variant type: single nucleotide variant.
Coding change: c.69367G>T on transcript NM_001267550.2 (MANE Select); coding-DNA position 69367, G replaced by T.
Protein change: p.Gly23123Ter; replaces glycine 23123 with a stop codon.
Molecular consequence: nonsense.
Genome position (GRCh38, 1-based): chr2:178,576,968, C>A on the plus strand (G>T on the coding strand, the complement: TTN is on the minus strand). VCF-style: chr2-178576968-C-A. GRCh37 (hg19) VCF-style: chr2-179441695-C-A.
Other names: c.64444G>T, p.Gly21482Ter (NM_001256850.1); c.42172G>T, p.Gly14058Ter (NM_003319.4); c.61663G>T, p.Gly20555Ter (NM_133378.4); c.42547G>T, p.Gly14183Ter (NM_133432.3); c.42748G>T, p.Gly14250Ter (NM_133437.4); short protein forms G21482*, G23123*, G14250*, G20555*, G14058*, G14183*.
Identifiers: ClinVar variation 432102 (VCV000432102.3), dbSNP rs1553616431, ClinGen allele CA349668893.
Genomic context (GRCh38, chr2:178,576,968, plus strand): 5'-ACATGCTCTACATACCAAATCTGTCTACCATTTTGACAGGTTCAGACTGTACAGGTTCTC[C>A]TTTGCCATAGTGGTTTACAGCTGAGACCCGGAAGATGTACTCATTTCCTTGGATAAGTTT-3'